The following is an entry in ClinVar:

NM_005639.3(SYT1):c.1022A>G (p.Asn341Ser)

Gene: SYT1 (synaptotagmin 1; plus strand). Cytogenetic location: 12q21.2.
Variant type: single nucleotide variant.
Coding change: c.1022A>G on transcript NM_005639.3 (MANE Select); coding-DNA position 1022, A replaced by G.
Protein change: p.Asn341Ser; replaces asparagine 341 with serine.
Molecular consequence: missense variant.
Genome position (GRCh38, 1-based): chr12:79,444,166, A>G. VCF-style: chr12-79444166-A-G. GRCh37 (hg19) VCF-style: chr12-79837946-A-G.
Other names: c.1022A>G, p.Asn341Ser (NM_001135805.2, NM_001135806.2, NM_001415938.1 and 2 more transcripts); c.1013A>G, p.Asn338Ser (NM_001291901.2, NM_001415941.1, NM_001415942.1 and 1 more transcripts); short protein forms N338S, N341S.
Identifiers: ClinVar variation 3252282 (VCV003252282.1), dbSNP rs2547781146.

ClinVar aggregate classification (germline): Uncertain significance (1 of 4 stars; one submission).

Submission:

GeneDx
Classification: Uncertain significance. Last evaluated: 2023-08-25. Review status: criteria provided, single submitter. Criteria: GeneDx Variant Classification Process June 2021. Collection method: clinical testing. Allele origin: germline. Affected: yes.
Comment: Not observed at significant frequency in large population cohorts (gnomAD); In silico analysis supports that this missense variant has a deleterious effect on protein structure/function; This variant is associated with the following publications: (PMID: 37066095, 35101335)